The following is an entry in ClinVar:

ClinVar aggregate classification (germline): Benign/Likely benign. Review status: criteria provided, multiple submitters, no conflicts (2 of 4 stars). 3 submissions from 3 submitters: Benign (2); Likely benign (1). Last evaluated 2026-07-01.

Allele frequency attached by ClinVar (database versions not stated): gnomAD exomes 0.00036 and 0.00095; ExAC 0.00125; 1000 Genomes Project 30x 0.00312; 1000 Genomes Project 0.00359; gnomAD 0.00410 and 0.00440; ESP Exome Variant Server 0.00423; TOPMed 0.00451.

Submissions (3):

CeGaT Center for Human Genetics Tuebingen
Classification: Likely benign. Last evaluated: 2026-07-01. Review status: criteria provided, single submitter. Criteria: CeGaT Center For Human Genetics Tuebingen Variant Classification Criteria Version 2. Collection method: clinical testing. Allele origin: germline. Affected: yes. Observed: 4 variant alleles.
Comment: KIF14: BP4, BS1

Labcorp Genetics (formerly Invitae), Labcorp
Classification: Benign. Last evaluated: 2026-01-28. Review status: criteria provided, single submitter. Criteria: Invitae Variant Classification Sherloc (09022015). Collection method: clinical testing. Allele origin: germline.

Breakthrough Genomics
Classification: Benign. Review status: criteria provided, single submitter. Criteria: ACMG Guidelines, 2015. Collection method: not provided. Allele origin: germline. Inheritance: Autosomal recessive inheritance. Affected: yes.

NM_014875.3(KIF14):c.3295G>A (p.Ala1099Thr)

Gene: KIF14 (kinesin family member 14; minus strand). Cytogenetic location: 1q32.1.
Variant type: single nucleotide variant.
Coding change: c.3295G>A on transcript NM_014875.3 (MANE Select); coding-DNA position 3295, G replaced by A.
Protein change: p.Ala1099Thr; replaces alanine 1099 with threonine.
Molecular consequence: missense variant.
Genome position (GRCh38, 1-based): chr1:200,581,241, C>T on the plus strand (G>A on the coding strand, the complement: KIF14 is on the minus strand). VCF-style: chr1-200581241-C-T. GRCh37 (hg19) VCF-style: chr1-200550369-C-T.
Other names: c.1822G>A, p.Ala608Thr (NM_001305792.1); short protein forms A1099T, A608T.
Identifiers: ClinVar variation 720288 (VCV000720288.32), dbSNP rs115335190, ClinGen allele CA1317304.